The following is an entry in ClinVar:

ClinVar aggregate classification (germline): Uncertain significance. Review status: criteria provided, multiple submitters, no conflicts (2 of 4 stars). 2 submissions from 2 submitters: Uncertain significance (2). Last evaluated 2024-11-26.

Conditions:
Duchenne muscular dystrophy (DMD). Also called: Duchenne Muscular Dystrophy (DMD); MUSCULAR DYSTROPHY, PSEUDOHYPERTROPHIC PROGRESSIVE, DUCHENNE TYPE. Identifiers: Orphanet 98896, MedGen C0013264, MONDO:0010679, OMIM 310200.

Submissions (2):

Labcorp Genetics (formerly Invitae), Labcorp
Classification: Uncertain significance for Duchenne muscular dystrophy. Last evaluated: 2024-11-26. Review status: criteria provided, single submitter. Criteria: Invitae Variant Classification Sherloc (09022015). Collection method: clinical testing. Allele origin: germline.
Comment: This sequence change replaces asparagine, which is neutral and polar, with serine, which is neutral and polar, at codon 878 of the DMD protein (p.Asn878Ser). This variant is not present in population databases (gnomAD no frequency). This variant has not been reported in the literature in individuals affected with DMD-related conditions. ClinVar contains an entry for this variant (Variation ID: 1684687). Invitae Evidence Modeling of protein sequence and biophysical properties (such as structural, functional, and spatial information, amino acid conservation, physicochemical variation, residue mobility, and thermodynamic stability) indicates that this missense variant is not expected to disrupt DMD protein function with a negative predictive value of 95%. In summary, the available evidence is currently insufficient to determine the role of this variant in disease. Therefore, it has been classified as a Variant of Uncertain Significance.

Mendelics
Classification: Uncertain significance. Last evaluated: 2022-05-04. Review status: criteria provided, single submitter. Criteria: Mendelics Assertion Criteria 2019. Collection method: clinical testing. Allele origin: germline.

NM_004006.3(DMD):c.2633A>G (p.Asn878Ser)

Gene: DMD (dystrophin; minus strand). Cytogenetic location: Xp21.1.
Variant type: single nucleotide variant.
Coding change: c.2633A>G on transcript NM_004006.3 (MANE Select); coding-DNA position 2633, A replaced by G.
Protein change: p.Asn878Ser; replaces asparagine 878 with serine.
Molecular consequence: missense variant.
Genome position (GRCh38, 1-based): chrX:32,485,089, T>C on the plus strand (A>G on the coding strand, the complement: DMD is on the minus strand). VCF-style: chrX-32485089-T-C. GRCh37 (hg19) VCF-style: chrX-32503206-T-C.
Other names: c.2609A>G, p.Asn870Ser (NM_000109.4); c.2621A>G, p.Asn874Ser (NM_004009.3); c.2264A>G, p.Asn755Ser (NM_004010.3); short protein forms N755S, N870S, N874S, N878S.
Identifiers: ClinVar variation 1684687 (VCV001684687.3), dbSNP rs2148584563, ClinGen allele CA412671137.
Genomic context (GRCh38, chrX:32,485,089, plus strand): 5'-TTCAGGGCTATGCTTTGAATTTTTAATCGTTCAATTTGAGGTTGAAGATCTGATAGCCGG[T>C]TGACTTCATCCTGTGCCATAGAGTATGGAAAGTAAGTAACACGTTTACTTTGCATACATT-3'
Protein context (NP_003997.2, residues 868-888): SQLKICKDEV[Asn878Ser]RLSDLQPQIE